The following is an entry in ClinVar:

NM_000170.3(GLDC):c.2988G>C (p.Gln996His)

Gene: GLDC (glycine decarboxylase; minus strand). Cytogenetic location: 9p24.1.
Variant type: single nucleotide variant.
Coding change: c.2988G>C on transcript NM_000170.3 (MANE Select); coding-DNA position 2988, G replaced by C.
Protein change: p.Gln996His; replaces glutamine 996 with histidine.
Molecular consequence: missense variant.
Genome position (GRCh38, 1-based): chr9:6,533,092, C>G on the plus strand (G>C on the coding strand, the complement: GLDC is on the minus strand). VCF-style: chr9-6533092-C-G. GRCh37 (hg19) VCF-style: chr9-6533092-C-G.
Other names: short protein forms Q996H.
Identifiers: ClinVar variation 367171 (VCV000367171.60), dbSNP rs138640017, ClinGen allele CA4979981.

ClinVar aggregate classification (germline): Conflicting classifications of pathogenicity. Review status: criteria provided, conflicting classifications (1 of 4 stars). 8 submissions from 8 submitters: Uncertain significance (2); Benign (1); Likely benign (3). 2 of the submissions do not count toward it. Last evaluated 2026-02-02.

Conditions:
Inborn genetic diseases. Identifiers: MedGen C0950123, MeSH D030342.
GLDC-related disorder. Also called: GLDC-related condition.
Glycine encephalopathy. Also called: Nonketotic hyperglycinemia; Non-ketotic hyperglycinemia. Identifiers: Orphanet 407, MedGen C0751748, MONDO:0011612, HP:0008288.

Allele frequency attached by ClinVar (database versions not stated): ESP Exome Variant Server 0.00015; TOPMed 0.00015; 1000 Genomes Project 30x 0.00031; 1000 Genomes Project 0.00040; gnomAD exomes 0.00057 and 0.00117; ExAC 0.00096; gnomAD 0.00107 and 0.00112.
gnomAD v4.1: 979 of 1,611,036 alleles (0.061%); highest among the groups gnomAD compares: Non-Finnish European, 0.025%; 4 homozygotes.

Submissions (8):

Labcorp Genetics (formerly Invitae), Labcorp
Classification: Benign for Glycine encephalopathy. Last evaluated: 2026-02-02. Review status: criteria provided, single submitter. Criteria: Invitae Variant Classification Sherloc (09022015). Collection method: clinical testing. Allele origin: germline.

Blueprint Genetics
Classification: Uncertain significance. Last evaluated: 2024-11-07. Review status: criteria provided, single submitter. Criteria: ACMG Guidelines, 2015. Collection method: clinical testing. Allele origin: germline.

Ambry Genetics
Classification: Likely benign for Inborn genetic diseases. Last evaluated: 2022-07-05. Review status: criteria provided, single submitter. Criteria: Ambry Variant Classification Scheme 2023. Collection method: clinical testing. Allele origin: germline.

GeneDx
Classification: Likely benign. Last evaluated: 2020-12-09. Review status: criteria provided, single submitter. Criteria: GeneDx Variant Classification Process June 2021. Collection method: clinical testing. Allele origin: germline. Affected: yes.
Comment: This variant is associated with the following publications: (PMID: 29481666)

CeGaT Center for Human Genetics Tuebingen
Classification: Likely benign. Last evaluated: 2020-09-01. Review status: criteria provided, single submitter. Criteria: CeGaT Center For Human Genetics Tuebingen Variant Classification Criteria Version 2. Collection method: clinical testing. Allele origin: germline. Affected: yes. Observed: 1 variant allele.

Illumina Laboratory Services, Illumina
Classification: Uncertain significance for Glycine encephalopathy 1. Last evaluated: 2018-01-12. Review status: criteria provided, single submitter. Criteria: ICSL Variant Classification Criteria 13 December 2019. Collection method: clinical testing. Allele origin: germline.

Natera, Inc.
Classification: Likely benign for Non-ketotic hyperglycinemia. Last evaluated: 2020-08-12. Review status: no assertion criteria provided. Collection method: clinical testing. Allele origin: germline. Not counted in ClinVar's aggregate classification.

PreventionGenetics, part of Exact Sciences
Classification: Benign for GLDC-related condition. Last evaluated: 2019-11-11. Review status: no assertion criteria provided. Collection method: clinical testing. Allele origin: germline. Not counted in ClinVar's aggregate classification.
Comment: This variant is classified as benign based on ACMG/AMP sequence variant interpretation guidelines (Richards et al. 2015 PMID: 25741868, with internal and published modifications).